The following is an entry in ClinVar:

NM_001365951.3(KIF1B):c.4574C>T (p.Ser1525Phe)

Gene: KIF1B (kinesin family member 1B; plus strand). Cytogenetic location: 1p36.22.
Variant type: single nucleotide variant.
Coding change: c.4574C>T on transcript NM_001365951.3 (MANE Select); coding-DNA position 4574, C replaced by T.
Protein change: p.Ser1525Phe; replaces serine 1525 with phenylalanine.
Molecular consequence: missense variant.
Genome position (GRCh38, 1-based): chr1:10,365,470, C>T. VCF-style: chr1-10365470-C-T. GRCh37 (hg19) VCF-style: chr1-10425528-C-T.
Other names: c.4574C>T, p.Ser1525Phe (NM_001365952.1); c.4436C>T, p.Ser1479Phe (NM_015074.3); short protein forms S1479F, S1525F.
Identifiers: ClinVar variation 3533859 (VCV003533859.1).

ClinVar aggregate classification (germline): Uncertain significance (1 of 4 stars; one submission).

gnomAD v4.1: 9 of 1,614,176 alleles (0.00056%); highest among the groups gnomAD compares: Non-Finnish European, 0.00076%; no homozygotes.

Submission:

Ambry Genetics
Classification: Uncertain significance. Last evaluated: 2024-08-22. Review status: criteria provided, single submitter. Criteria: Ambry Variant Classification Scheme 2023. Collection method: clinical testing. Allele origin: germline.
Comment: The p.S1479F variant (also known as c.4436C>T), located in coding exon 40 of the KIF1B gene, results from a C to T substitution at nucleotide position 4436. The serine at codon 1479 is replaced by phenylalanine, an amino acid with highly dissimilar properties. This amino acid position is highly conserved in available vertebrate species. In addition, this alteration is predicted to be tolerated by in silico analysis. The evidence for this gene-disease relationship is limited; therefore, the clinical significance of this alteration is unclear.